The following is an entry in ClinVar:

NM_005221.6(DLX5):c.312C>T (p.Tyr104=)

Gene: DLX5 (distal-less homeobox 5; minus strand). Cytogenetic location: 7q21.3.
Variant type: single nucleotide variant.
Coding change: c.312C>T on transcript NM_005221.6 (MANE Select); coding-DNA position 312, C replaced by T.
Protein change: p.Tyr104=; no amino-acid change (tyrosine 104 retained).
Molecular consequence: synonymous variant.
Genome position (GRCh38, 1-based): chr7:97,024,312, G>A on the plus strand (C>T on the coding strand, the complement: DLX5 is on the minus strand). VCF-style: chr7-97024312-G-A. GRCh37 (hg19) VCF-style: chr7-96653624-G-A.
Identifiers: ClinVar variation 3044657 (VCV003044657.3), dbSNP rs200820594, ClinGen allele CA4354048.

ClinVar aggregate classification (germline): Likely benign. Review status: criteria provided, single submitter (1 of 4 stars). 2 submissions from 2 submitters: Likely benign (1). 1 of the submissions does not count toward it. Last evaluated 2023-10-06.

Conditions:
DLX5-related disorder. Also called: DLX5-related condition.

Allele frequency attached by ClinVar (database versions not stated): TOPMed 0.00004; gnomAD 0.00005; gnomAD exomes 0.00008; ExAC 0.00012; 1000 Genomes Project 30x 0.00016; 1000 Genomes Project 0.00020.
gnomAD v4.1: 115 of 1,614,180 alleles (0.0071%); highest among the groups gnomAD compares: East Asian, 0.25%; 2 homozygotes.

Submissions (2):

Blueprint Genetics
Classification: Likely benign. Last evaluated: 2023-10-06. Review status: criteria provided, single submitter. Criteria: ACMG Guidelines, 2015. Collection method: clinical testing. Allele origin: germline.

PreventionGenetics, part of Exact Sciences
Classification: Likely benign for DLX5-related condition. Last evaluated: 2019-05-28. Review status: no assertion criteria provided. Collection method: clinical testing. Allele origin: germline. Not counted in ClinVar's aggregate classification.
Comment: This variant is classified as likely benign based on ACMG/AMP sequence variant interpretation guidelines (Richards et al. 2015 PMID: 25741868, with internal and published modifications).